The following is an entry in ClinVar:

ClinVar aggregate classification (germline): Likely benign (1 of 4 stars; one submission).

Allele frequency attached by ClinVar (database versions not stated): 1000 Genomes Project 0.00040; 1000 Genomes Project 30x 0.00047; gnomAD 0.00127; ExAC 0.00133; TOPMed 0.00139; gnomAD exomes 0.00176; ESP Exome Variant Server 0.00208.
gnomAD v4.1: 2,705 of 1,582,110 alleles (0.17%); highest among the groups gnomAD compares: Non-Finnish European, 0.22%; 6 homozygotes.

Submission:

CeGaT Center for Human Genetics Tuebingen
Classification: Likely benign. Last evaluated: 2025-11-01. Review status: criteria provided, single submitter. Criteria: CeGaT Center For Human Genetics Tuebingen Variant Classification Criteria Version 2. Collection method: clinical testing. Allele origin: germline. Affected: yes. Observed: 2 variant alleles.
Comment: PTPN22: BP4, BP7

NM_015967.8(PTPN22):c.2359+11T>C

Genes: AP4B1-AS1 (AP4B1 antisense RNA 1; plus strand), PTPN22 (protein tyrosine phosphatase non-receptor type 22; minus strand). Cytogenetic location: 1p13.2.
Variant type: single nucleotide variant.
Coding change: c.2359+11T>C on transcript NM_015967.8 (MANE Select); 11 bases into the intron after coding-DNA position 2359, T replaced by C.
Molecular consequence: intron variant.
Genome position (GRCh38, 1-based): chr1:113,819,566, A>G on the plus strand (T>C on the coding strand, the complement: PTPN22 is on the minus strand). VCF-style: chr1-113819566-A-G. GRCh37 (hg19) VCF-style: chr1-114362188-A-G.
Other names: c.2287+11T>C (NM_001308297.2); c.2194+11T>C (NM_012411.6); c.2275+11T>C (NM_001193431.3).
Identifiers: ClinVar variation 2672343 (VCV002672343.22), dbSNP rs201875159, ClinGen allele CA1014715.